The following is an entry in ClinVar:

ClinVar aggregate classification (germline): Pathogenic (0 of 4 stars; one submission).

Conditions:
Pyruvate dehydrogenase E1-alpha deficiency (PDHAD). Also called: ATAXIA, INTERMITTENT, WITH PYRUVATE DEHYDROGENASE DEFICIENCY; ATAXIA WITH LACTIC ACIDOSIS I; ATAXIA, INTERMITTENT, WITH ABNORMAL PYRUVATE METABOLISM; Ataxia, intermittent, with pyruvate dehydrogenase, or decarboxylase, deficiency. Identifiers: Orphanet 79243, MedGen C1839413, MONDO:0010717, OMIM 312170.

Submission:

PDHA1 Study Group, University Children’s Hospital, Paracelsus Medical University
Classification: Pathogenic for Pyruvate dehydrogenase E1-alpha deficiency. Last evaluated: 2024-10-15. Review status: no assertion criteria provided. Collection method: research. Allele origin: germline. Affected: yes. Observed: 1 variant allele.
Comment: The NM_000284.3:c.986_998dup (p.Glu333AspfsTer11) change is a frameshift variant in PDHA1 gene. This variant is predicted to escape nonsense-mediated decay (NMD). The variant has been reported in 1 published case (PMIDs: 23021068, 8352855). Last literature search: July 12, 2024. This variant is absent or extremely rare in population-based cohorts in the Genome Aggregation Database (gnomAD). Individuals harboring this variant presented with clinical features compatible with PDHA1-related PDHc deficiency. In summary, this variant meets criteria to be classified as pathogenic (P) for PDHA1-related PDHc deficiency based on the ACMG/AMP criteria applied: PVS1, PS3, PM2, PM7 (last assessment October 15, 2024).

Literature cited by the submitters: PubMed 23021068; PubMed 8352855; DOI 10.1093/brain/awaf430.

NM_000284.4(PDHA1):c.986_998dup (p.Glu333fs)

Gene: PDHA1 (pyruvate dehydrogenase E1 subunit alpha 1; plus strand). Cytogenetic location: Xp22.12.
Variant type: Duplication.
Coding change: c.986_998dup on transcript NM_000284.4 (MANE Select); coding-DNA positions 986 to 998, 13 bases duplicated (TTGCCAGTGTGGA).
Protein change: p.Glu333fs; shifts the reading frame from glutamic acid 333.
Molecular consequence: frameshift variant.
Genome position (GRCh38, 1-based): chrX:19,359,002-19,359,014, TTGCCAGTGTGGA duplicated. VCF-style (leftmost placement, unchanged base first): chrX-19359001-C-CTTGCCAGTGTGGA. GRCh37 (hg19) VCF-style: chrX-19377119-C-CTTGCCAGTGTGGA.
Other names: c.1100_1112dup, p.Glu371fs (NM_001173454.2); c.1007_1019dup, p.Glu340fs (NM_001173455.2); c.893_905dup, p.Glu302fs (NM_001173456.2); short protein forms E302fs, E333fs, E340fs, E371fs.
Identifiers: ClinVar variation 4070421 (VCV004070421.1).
Genomic context (GRCh38, chrX:19,359,001, plus strand): 5'-GAAGTAAGAAGTAAGAGTGACCCTATTATGCTTCTCAAGGACAGGATGGTGAACAGCAAT[C>CTTGCCAGTGTGGA]TTGCCAGTGTGGAAGAACTAAAGGTACAGTCACTTGTTCATGGTGGTTTGAAGGTTGGCT-3'